The following is an entry in ClinVar:

ClinVar aggregate classification (germline): Uncertain significance. Review status: criteria provided, multiple submitters, no conflicts (2 of 4 stars). 2 submissions from 2 submitters: Uncertain significance (2). Last evaluated 2021-05-31.

Conditions:
Inborn genetic diseases. Identifiers: MedGen C0950123, MeSH D030342.
Neuropathy, hereditary sensory and autonomic, type 2A (HSAN2A). Also called: WNK1-Related HSAN2 (HSAN2A); MORVAN DISEASE; NEUROPATHY, CONGENITAL SENSORY; NEUROPATHY, HEREDITARY SENSORY RADICULAR, AUTOSOMAL RECESSIVE; NEUROPATHY, HEREDITARY SENSORY, TYPE IIA; NEUROPATHY, PROGRESSIVE SENSORY, OF CHILDREN. Identifiers: Orphanet 970, MedGen C2752089, MONDO:0024309, OMIM 201300.
Pseudohypoaldosteronism type 2C (PHA2C). Also called: Pseudohypoaldosteronism Type IIC. Identifiers: Orphanet 757, Orphanet 88940, MedGen C1840391, MONDO:0013778, OMIM 614492.

Submissions (2):

Labcorp Genetics (formerly Invitae), Labcorp
Classification: Uncertain significance for Neuropathy, hereditary sensory and autonomic, type 2A; Pseudohypoaldosteronism type 2C. Last evaluated: 2021-05-31. Review status: criteria provided, single submitter. Criteria: Invitae Variant Classification Sherloc (09022015). Collection method: clinical testing. Allele origin: germline.
Comment: In summary, the available evidence is currently insufficient to determine the role of this variant in disease. Therefore, it has been classified as a Variant of Uncertain Significance. This sequence change replaces serine with phenylalanine at codon 289 of the WNK1 protein (p.Ser289Phe). The serine residue is highly conserved and there is a large physicochemical difference between serine and phenylalanine. This variant is not present in population databases (ExAC no frequency). This variant has not been reported in the literature in individuals with WNK1-related conditions. Advanced modeling of protein sequence and biophysical properties (such as structural, functional, and spatial information, amino acid conservation, physicochemical variation, residue mobility, and thermodynamic stability) performed at Invitae indicates that this missense variant is not expected to disrupt WNK1 protein function.

Ambry Genetics
Classification: Uncertain significance for Inborn genetic diseases. Last evaluated: 2021-04-12. Review status: criteria provided, single submitter. Criteria: Ambry Variant Classification Scheme 2023. Collection method: clinical testing. Allele origin: germline.
Comment: The p.S289F variant (also known as c.866C>T), located in coding exon 2 of the WNK1 gene, results from a C to T substitution at nucleotide position 866. The serine at codon 289 is replaced by phenylalanine, an amino acid with highly dissimilar properties. This amino acid position is well conserved in available vertebrate species. In addition, the in silico prediction for this alteration is inconclusive. Since supporting evidence is limited at this time, the clinical significance of this alteration remains unclear.

NM_018979.4(WNK1):c.866C>T (p.Ser289Phe)

Gene: WNK1 (WNK lysine deficient protein kinase 1; plus strand). Cytogenetic location: 12p13.33.
Variant type: single nucleotide variant.
Coding change: c.866C>T on transcript NM_018979.4 (MANE Select); coding-DNA position 866, C replaced by T.
Protein change: p.Ser289Phe; replaces serine 289 with phenylalanine.
Molecular consequence: missense variant.
Genome position (GRCh38, 1-based): chr12:813,748, C>T. VCF-style: chr12-813748-C-T. GRCh37 (hg19) VCF-style: chr12-922914-C-T.
Other names: c.866C>T, p.Ser289Phe (NM_001184985.2, NM_014823.3, NM_213655.5); short protein forms S289F.
Identifiers: ClinVar variation 1357940 (VCV001357940.10), dbSNP rs2154009717, ClinGen allele CA383325400.